The following is an entry in ClinVar:

NM_007294.4(BRCA1):c.3977_3978del (p.His1326fs)

Genes: BRCA1 (BRCA1 DNA repair associated; minus strand), LOC126862571 (BRD4-independent group 4 enhancer GRCh37_chr17:41243136-41244335; plus strand). Cytogenetic location: 17q21.31.
Variant type: Deletion.
Coding change: c.3977_3978del on transcript NM_007294.4 (MANE Select); coding-DNA positions 3977 to 3978, 2 bases deleted (AT; older notation c.3977_3978delAT).
Protein change: p.His1326fs; shifts the reading frame from histidine 1326.
Molecular consequence: frameshift variant. On other transcripts: intron variant (135).
Genome position (GRCh38, 1-based): chr17:43,091,553-43,091,554, AT deleted on the plus strand (AT on the coding strand, the reverse complement: BRCA1 is on the minus strand). VCF-style (leftmost placement, unchanged base first): chr17-43091552-GAT-G. GRCh37 (hg19) VCF-style: chr17-41243569-GAT-G.
Other names: c.3977_3978del, p.His1326fs (NM_001407623.1, NM_001407626.1, NM_001407624.1 and 30 more transcripts); c.521-522_521-521del (NM_001408505.1, NM_001408503.1, NM_001408504.1); c.524-522_524-521del (NM_001408497.1, NM_001408498.1, NM_001408501.1 and 3 more transcripts); c.461-522_461-521del (NM_001408507.1, NM_001408506.1); c.545-522_545-521del (NM_001408495.1); c.647-522_647-521del (NM_001408466.1, NM_001408452.1, NM_001408457.1 and 11 more transcripts); c.788-522_788-521del (NM_001407973.1, NM_001407980.1, NM_001407993.1 and 17 more transcripts); c.3974_3975del, p.His1325fs (NM_001407627.1, NM_001407628.1, NM_001407587.1 and 22 more transcripts); and 41 more; short protein forms H1030fs, H1158fs, H1198fs, H1199fs, H1214fs, H1215fs, H1237fs, H1238fs.
Identifiers: ClinVar variation 3893909 (VCV003893909.2).

ClinVar aggregate classification (germline): Pathogenic. Review status: criteria provided, multiple submitters, no conflicts (2 of 4 stars). 2 submissions from 2 submitters: Pathogenic (2). Last evaluated 2025-06-04.

Conditions:
Hereditary breast ovarian cancer syndrome. Also called: Hereditary breast and ovarian cancer syndrome; Hereditary breast and/or ovarian cancer syndrome; Hereditary breast and ovarian cancer; Hereditary breast and ovarian cancer syndrome (HBOC); BRCA1- and BRCA2-Associated Hereditary Breast and Ovarian Cancer; Breast and ovarian cancer. Identifiers: Orphanet 145, MedGen C0677776, MeSH D061325, MONDO:0003582. Disease mechanism: loss of function.
Hereditary cancer-predisposing syndrome. Also called: Neoplastic Syndromes, Hereditary; Tumor predisposition; Hereditary Cancer Syndrome; Hereditary neoplastic syndrome. Identifiers: Orphanet 140162, MedGen C0027672, MeSH D009386, MONDO:0015356.

Submissions (2):

Labcorp Genetics (formerly Invitae), Labcorp
Classification: Pathogenic for Hereditary breast ovarian cancer syndrome. Last evaluated: 2025-06-04. Review status: criteria provided, single submitter. Criteria: Invitae Variant Classification Sherloc (09022015). Collection method: clinical testing. Allele origin: germline.
Comment: This sequence change creates a premature translational stop signal (p.His1326Profs*3) in the BRCA1 gene. It is expected to result in an absent or disrupted protein product. Loss-of-function variants in BRCA1 are known to be pathogenic (PMID: 20104584). This variant is not present in population databases (gnomAD no frequency). This variant has not been reported in the literature in individuals affected with BRCA1-related conditions. ClinVar contains an entry for this variant (Variation ID: 3893909). RNA analysis performed to evaluate the impact of this premature translational stop signal on mRNA splicing indicates it does not significantly alter splicing (internal data). For these reasons, this variant has been classified as Pathogenic.

Color Diagnostics, LLC DBA Color Health
Classification: Pathogenic for Hereditary cancer-predisposing syndrome. Last evaluated: 2024-12-10. Review status: criteria provided, single submitter. Criteria: ACMG Guidelines, 2015. Collection method: clinical testing. Allele origin: germline.
Comment: This variant deletes 2 nucleotides in exon 10 of the BRCA1 gene, creating a frameshift and premature translation stop signal. This variant is expected to result in an absent or non-functional protein product. To our knowledge, this variant has not been reported in individuals affected with BRCA1-related disorders in the literature. This variant has not been identified in the general population by the Genome Aggregation Database (gnomAD). Loss of BRCA1 function is a known mechanism of disease. Based on the available evidence, this variant is classified as Pathogenic.

Literature cited by the submitters: PubMed 20104584 (cited by Labcorp Genetics (formerly Invitae), Labcorp).